The following is an entry in ClinVar:

ClinVar aggregate classification (germline): Pathogenic. Review status: criteria provided, multiple submitters, no conflicts (2 of 4 stars). 4 submissions from 4 submitters: Pathogenic (2). 2 of the submissions do not count toward it. Last evaluated 2023-10-05.

Conditions:
Peroxisome biogenesis disorder 6A (Zellweger). Also called: Peroxisome biogenesis disorder 6A. Identifiers: Orphanet 912, MedGen C3553947, MONDO:0013936, OMIM 614870.
Peroxisome biogenesis disorder 6B (PBD6B). Identifiers: Orphanet 44, MedGen C3553948, MONDO:0013937, OMIM 614871.
Peroxisome biogenesis disorder. Identifiers: Orphanet 79189, MedGen C1832200, MONDO:0019234. Disease mechanism: loss of function.
Peroxisome biogenesis disorder, complementation group 7 (CG7). Also called: Peroxisome biogenesis disorder, complementation group B. Identifiers: MedGen C1864399.

Allele frequency attached by ClinVar (database versions not stated): TOPMed 0.00001.

Submissions (4):

Labcorp Genetics (formerly Invitae), Labcorp
Classification: Pathogenic for Peroxisome biogenesis disorder, complementation group 7. Last evaluated: 2023-10-05. Review status: criteria provided, single submitter. Criteria: Invitae Variant Classification Sherloc (09022015). Collection method: clinical testing. Allele origin: germline.
Comment: This sequence change affects the initiator methionine of the PEX10 mRNA. The next in-frame methionine is located at codon 145. This variant is not present in population databases (gnomAD no frequency). Disruption of the initiator codon has been observed in individual(s) with peroxisomal biogenesis disorders (PMID: 20695019, 28320181). It has also been observed to segregate with disease in related individuals. ClinVar contains an entry for this variant (Variation ID: 162434). For these reasons, this variant has been classified as Pathogenic.

Women's Health and Genetics/Laboratory Corporation of America, LabCorp
Classification: Pathogenic for Peroxisome biogenesis disorder. Last evaluated: 2023-02-21. Review status: criteria provided, single submitter. Criteria: LabCorp Variant Classification Summary - May 2015. Collection method: clinical testing. Allele origin: germline.
Comment: Variant summary: PEX10 c.2T>C (p.Met1Thr) alters the initiation codon and is predicted to result either in absence of the protein or truncation of the encoded protein due to translation initiation at a downstream codon. The next downstream in-frame methionine is at codon 145 (Exon 3). Other variants impacting the PEX10 start codon have been reported as pathogenic in ClinVar and HGMD (e.g., c.1A>G/p.M1V). Additionally, truncating variants downstream of the start-loss but upstream of the potential new start codon have been classified as pathogenic by our laboratory. Three of four in-silico tools predict a damaging effect of the variant on protein function. The variant was absent in 26612 control chromosomes. c.2T>C has been reported in the literature in individuals affected with peroxisomal biogenesis disorders and ataxia (e.g., Regal_2010, Ebberink_2010) and has been shown to segregate with disease in related individuals (e.g., Yamashita_2017). These data indicate that the variant is very likely to be associated with disease. At least one publication reports experimental evidence evaluating an impact on protein function, finding that PEX10 was defective in fibroblasts from a compound heterozygous patient (with a null variant in trans; Regal_2010). Two clinical diagnostic laboratories have submitted clinical-significance assessments for this variant to ClinVar after 2014, and both laboratories classified the variant as pathogenic. Based on the evidence outlined above, the variant was classified as pathogenic.

Counsyl
Classification: Pathogenic for Peroxisome biogenesis disorder 6A (Zellweger); Peroxisome biogenesis disorder 6B. Last evaluated: 2017-02-24. Review status: no assertion criteria provided. Collection method: clinical testing. Allele origin: unknown. Not counted in ClinVar's aggregate classification.

OMIM
Classification: Pathogenic for PEROXISOME BIOGENESIS DISORDER 6B. Last evaluated: 2010-08-01. Review status: no assertion criteria provided. Collection method: literature only. Allele origin: germline. Not counted in ClinVar's aggregate classification.

Literature cited by the submitters: PubMed 20695019 (cited by 4 submitters); PubMed 28320181 (cited by Labcorp Genetics (formerly Invitae), Labcorp and Women's Health and Genetics/Laboratory Corporation of America, LabCorp); PubMed 21031596 (cited by Women's Health and Genetics/Laboratory Corporation of America, LabCorp and Counsyl).

NM_002617.4(PEX10):c.2T>C (p.Met1Thr)

Gene: PEX10 (peroxisomal biogenesis factor 10; minus strand). Cytogenetic location: 1p36.32.
Variant type: single nucleotide variant.
Coding change: c.2T>C on transcript NM_002617.4 (MANE Select); coding-DNA position 2, T replaced by C.
Protein change: p.Met1Thr; changes the start codon (methionine 1).
Molecular consequence: missense variant, initiator codon variant. On other transcripts: intron variant (2).
Genome position (GRCh38, 1-based): chr1:2,412,501, A>G on the plus strand (T>C on the coding strand, the complement: PEX10 is on the minus strand). VCF-style: chr1-2412501-A-G. GRCh37 (hg19) VCF-style: chr1-2343940-A-G.
Other names: c.2T>C, p.Met1Thr (NM_001374425.1, NM_153818.2); c.-321+1096T>C (NM_001374427.1, NM_001374426.1); short protein forms M1T.
Identifiers: ClinVar variation 162434 (VCV000162434.11), dbSNP rs724160002, ClinGen allele CA175040.